The following is an entry in ClinVar:

ClinVar aggregate classification (germline): Uncertain significance (1 of 4 stars; one submission).

Allele frequency attached by ClinVar (database versions not stated): ExAC 0.00003; gnomAD exomes 0.00003; gnomAD 0.00006 and 0.00008; TOPMed 0.00009; ESP Exome Variant Server 0.00015; 1000 Genomes Project 0.00040; 1000 Genomes Project 30x 0.00062.
gnomAD v4.1: 23 of 1,540,866 alleles (0.0015%); highest among the groups gnomAD compares: African/African-American, 0.024%; no homozygotes.

Submission:

Labcorp Genetics (formerly Invitae), Labcorp
Classification: Uncertain significance. Last evaluated: 2024-11-05. Review status: criteria provided, single submitter. Criteria: Invitae Variant Classification Sherloc (09022015). Collection method: clinical testing. Allele origin: germline.
Comment: This sequence change replaces valine, which is neutral and non-polar, with isoleucine, which is neutral and non-polar, at codon 15 of the CWC27 protein (p.Val15Ile). This variant is present in population databases (rs376182212, gnomAD 0.04%). This variant has not been reported in the literature in individuals affected with CWC27-related conditions. ClinVar contains an entry for this variant (Variation ID: 1053548). An algorithm developed to predict the effect of missense changes on protein structure and function (PolyPhen-2) suggests that this variant is likely to be disruptive. In summary, the available evidence is currently insufficient to determine the role of this variant in disease. Therefore, it has been classified as a Variant of Uncertain Significance.

NM_005869.4(CWC27):c.43G>A (p.Val15Ile)

Gene: CWC27 (CWC27 spliceosome associated cyclophilin; plus strand). Cytogenetic location: 5q12.3.
Variant type: single nucleotide variant.
Coding change: c.43G>A on transcript NM_005869.4 (MANE Select); coding-DNA position 43, G replaced by A.
Protein change: p.Val15Ile; replaces valine 15 with isoleucine.
Molecular consequence: missense variant.
Genome position (GRCh38, 1-based): chr5:64,774,691, G>A. VCF-style: chr5-64774691-G-A. GRCh37 (hg19) VCF-style: chr5-64070518-G-A.
Other names: c.43G>A, p.Val15Ile (NM_001297644.1, NM_001297645.2, NM_001318000.2 and 1 more transcripts); short protein forms V15I.
Identifiers: ClinVar variation 1053548 (VCV001053548.6), dbSNP rs376182212, ClinGen allele CA3281825.